The following is an entry in ClinVar:

NM_001135651.3(EIF2AK2):c.31A>T (p.Met11Leu)

Gene: EIF2AK2 (eukaryotic translation initiation factor 2 alpha kinase 2; minus strand). Cytogenetic location: 2p22.2.
Variant type: single nucleotide variant.
Coding change: c.31A>T on transcript NM_001135651.3 (MANE Select); coding-DNA position 31, A replaced by T.
Protein change: p.Met11Leu; replaces methionine 11 with leucine.
Molecular consequence: missense variant.
Genome position (GRCh38, 1-based): chr2:37,147,776, T>A on the plus strand (A>T on the coding strand, the complement: EIF2AK2 is on the minus strand). VCF-style: chr2-37147776-T-A. GRCh37 (hg19) VCF-style: chr2-37374919-T-A.
Other names: c.31A>T, p.Met11Leu (NM_001135652.3, NM_002759.4); short protein forms M11L.
Identifiers: ClinVar variation 2634800 (VCV002634800.2), dbSNP rs1363544084, ClinGen allele CA346323327.
Genomic context (GRCh38, chr2:37,147,776, plus strand): 5'-GCAGTTCTTGATATTTAAGTACTACTCCCTGCTTCTGACGGTATGTATTAAGTTCCTCCA[T>A]GAAGAAACCTGCTGAAAGATCACCAGCCATTTCTTCTTCCCGTATCCTACAATGGAAGAG-3'
Protein context (NP_001129123.1, residues 1-21): MAGDLSAGFF[Met11Leu]EELNTYRQKQ

ClinVar aggregate classification (germline): Uncertain significance (0 of 4 stars; one submission).

Conditions:
EIF2AK2-related disorder. Also called: EIF2AK2-related condition.

Submission:

PreventionGenetics, part of Exact Sciences
Classification: Uncertain significance for EIF2AK2-related condition. Last evaluated: 2024-09-09. Review status: no assertion criteria provided. Collection method: clinical testing. Allele origin: germline.
Comment: The EIF2AK2 c.31A>T variant is predicted to result in the amino acid substitution p.Met11Leu. To our knowledge, this variant has not been reported in the literature or in gnomAD, indicating this variant is rare. At this time, the clinical significance of this variant is uncertain due to the absence of conclusive functional and genetic evidence.